The following is an entry in ClinVar:

ClinVar aggregate classification (germline): Uncertain significance. Review status: criteria provided, multiple submitters, no conflicts (2 of 4 stars). 2 submissions from 2 submitters: Uncertain significance (2). Last evaluated 2022-12-07.

Conditions:
Hereditary cancer-predisposing syndrome. Also called: Hereditary neoplastic syndrome; Neoplastic Syndromes, Hereditary; Tumor predisposition; Hereditary Cancer Syndrome. Identifiers: Orphanet 140162, MedGen C0027672, MeSH D009386, MONDO:0015356.
Microcephaly, normal intelligence and immunodeficiency (NBS). Also called: IMMUNODEFICIENCY, MICROCEPHALY, AND CHROMOSOMAL INSTABILITY; SEEMANOVA SYNDROME II; Nijmegen breakage syndrome; Microcephaly with normal intelligence immunodeficiency and lymphoreticular malignancies; Nonsyndromal microcephaly autosomal recessive with normal intelligence; Seemanova syndrome 2. Identifiers: Orphanet 647, MedGen C0398791, MONDO:0009623, OMIM 251260.

Submissions (2):

Labcorp Genetics (formerly Invitae), Labcorp
Classification: Uncertain significance for Microcephaly, normal intelligence and immunodeficiency. Last evaluated: 2022-12-07. Review status: criteria provided, single submitter. Criteria: Invitae Variant Classification Sherloc (09022015). Collection method: clinical testing. Allele origin: germline.
Comment: ClinVar contains an entry for this variant (Variation ID: 480037). Algorithms developed to predict the effect of missense changes on protein structure and function are either unavailable or do not agree on the potential impact of this missense change (SIFT: "Deleterious"; PolyPhen-2: "Possibly Damaging"; Align-GVGD: "Class C0"). In summary, the available evidence is currently insufficient to determine the role of this variant in disease. Therefore, it has been classified as a Variant of Uncertain Significance. This sequence change replaces serine, which is neutral and polar, with cysteine, which is neutral and slightly polar, at codon 58 of the NBN protein (p.Ser58Cys). This variant is not present in population databases (gnomAD no frequency). This variant has not been reported in the literature in individuals affected with NBN-related conditions.

Ambry Genetics
Classification: Uncertain significance for Hereditary cancer-predisposing syndrome. Last evaluated: 2016-07-05. Review status: criteria provided, single submitter. Criteria: Ambry Variant Classification Scheme 2023. Collection method: clinical testing. Allele origin: germline.
Comment: The p.S58C variant (also known as c.172A>T) is located in coding exon 3 of the NBN gene. The serine at codon 58 is replaced by cysteine, an amino acid with dissimilar properties. This change occurs in the first base pair of coding exon 3. This variant was not reported in population based cohorts in the following databases: Database of Single Nucleotide Polymorphisms (dbSNP), NHLBI Exome Sequencing Project (ESP), and 1000 Genomes Project. In the ESP, this variant was not observed in 6501 samples (13002 alleles) with coverage at this position. To date, this alteration has been detected with an allele frequency of approximately 0.001% (greater than 175000 alleles tested) in our clinical cohort. This amino acid position is highly conserved in available vertebrate species. In addition, the in silico prediction for this alteration is inconclusive. Since supporting evidence is limited at this time, the clinical significance of this alteration remains unclear.

NM_002485.5(NBN):c.172A>T (p.Ser58Cys)

Gene: NBN (nibrin; minus strand). Cytogenetic location: 8q21.3.
Variant type: single nucleotide variant.
Coding change: c.172A>T on transcript NM_002485.5 (MANE Select); coding-DNA position 172, A replaced by T.
Protein change: p.Ser58Cys; replaces serine 58 with cysteine.
Molecular consequence: missense variant. On other transcripts: 5 prime UTR variant (1).
Genome position (GRCh38, 1-based): chr8:89,981,523, T>A on the plus strand (A>T on the coding strand, the complement: NBN is on the minus strand). VCF-style: chr8-89981523-T-A. GRCh37 (hg19) VCF-style: chr8-90993751-T-A.
Other names: c.-75A>T (NM_001024688.3); short protein forms S58C.
Identifiers: ClinVar variation 480037 (VCV000480037.8), dbSNP rs1554568431, ClinGen allele CA371662646.
Genomic context (GRCh38, chr8:89,981,523, plus strand): 5'-CAAAGGTACCATACTTAGAATTATCTTTTAATGTCAATACAGGGATTTCATCTGTTTGAC[T>A]CTGAAAAGTTAGCAAATAATTTAAAGTCTTTTACCACTCAGTACATTCACTTCTCAGAGA-3'
Protein context (NP_002476.2, residues 48-68): LTANFSVTNL[Ser58Cys]QTDEIPVLTL